The following is an entry in ClinVar:

ClinVar aggregate classification (germline): Likely pathogenic. Review status: criteria provided, single submitter (1 of 4 stars). 2 submissions from 2 submitters: Likely pathogenic (1). 1 of the submissions does not count toward it. Last evaluated 2022-10-26.

Conditions:
Metachromatic leukodystrophy (MLD). Also called: ARSA DEFICIENCY; CEREBROSIDE SULFATASE DEFICIENCY; METACHROMATIC LEUKOENCEPHALOPATHY; Cerebral sclerosis diffuse metachromatic form; Arylsulfatase A Deficiency; SULFATIDE LIPIDOSIS. Identifiers: Orphanet 512, MedGen C0023522, MONDO:0018868, OMIM 250100.

Submissions (2):

Labcorp Genetics (formerly Invitae), Labcorp
Classification: Likely pathogenic for Metachromatic leukodystrophy. Last evaluated: 2022-10-26. Review status: criteria provided, single submitter. Criteria: Invitae Variant Classification Sherloc (09022015). Collection method: clinical testing. Allele origin: germline.
Comment: This missense change has been observed in individual(s) with clinical features of metachromatic leukodystrophy (PMID: 9090526; Invitae). In at least one individual the data is consistent with being in trans (on the opposite chromosome) from a pathogenic variant. This variant is not present in population databases (gnomAD no frequency). This sequence change replaces aspartic acid, which is acidic and polar, with tyrosine, which is neutral and polar, at codon 154 of the ARSA protein (p.Asp154Tyr). This variant is also known as D152Y. In summary, the currently available evidence indicates that the variant is pathogenic, but additional data are needed to prove that conclusively. Therefore, this variant has been classified as Likely Pathogenic. Advanced modeling of protein sequence and biophysical properties (such as structural, functional, and spatial information, amino acid conservation, physicochemical variation, residue mobility, and thermodynamic stability) performed at Invitae indicates that this missense variant is expected to disrupt ARSA protein function. ClinVar contains an entry for this variant (Variation ID: 68135).

UniProtKB/Swiss-Prot
No classification provided. Review status: no classification provided. Collection method: not provided. Allele origin: not provided. Not counted in ClinVar's aggregate classification.

Literature cited by the submitters: PubMed 9090526 (cited by Labcorp Genetics (formerly Invitae), Labcorp).

NM_000487.6(ARSA):c.460G>T (p.Asp154Tyr)

Gene: ARSA (arylsulfatase A; minus strand). Cytogenetic location: 22q13.33.
Variant type: single nucleotide variant.
Coding change: c.460G>T on transcript NM_000487.6 (MANE Select); coding-DNA position 460, G replaced by T.
Protein change: p.Asp154Tyr; replaces aspartic acid 154 with tyrosine.
Molecular consequence: missense variant.
Genome position (GRCh38, 1-based): chr22:50,627,171, C>A on the plus strand (G>T on the coding strand, the complement: ARSA is on the minus strand). VCF-style: chr22-50627171-C-A. GRCh37 (hg19) VCF-style: chr22-51065599-C-A.
Other names: c.460G>T, p.Asp154Tyr (NM_001085425.3, NM_001085426.3, NM_001085427.3); c.202G>T, p.Asp68Tyr (NM_001085428.3, NM_001362782.2); short protein forms D154Y, D68Y.
Identifiers: ClinVar variation 68135 (VCV000068135.5), dbSNP rs199476365, ClinGen allele CA219026.